The following is an entry in ClinVar:

ClinVar aggregate classification (germline): Uncertain significance (1 of 4 stars; one submission).

Conditions:
Hereditary cancer-predisposing syndrome. Also called: Neoplastic Syndromes, Hereditary; Tumor predisposition; Hereditary neoplastic syndrome; Hereditary Cancer Syndrome. Identifiers: Orphanet 140162, MedGen C0027672, MeSH D009386, MONDO:0015356.

Submission:

Ambry Genetics
Classification: Uncertain significance for Hereditary cancer-predisposing syndrome. Last evaluated: 2026-07-07. Review status: criteria provided, single submitter. Criteria: Ambry Variant Classification Scheme 2023. Collection method: clinical testing. Allele origin: germline.
Comment: The p.C100Y variant (also known as c.299G>A), located in coding exon 2 of the TMEM127 gene, results from a G to A substitution at nucleotide position 299. The cysteine at codon 100 is replaced by tyrosine, an amino acid with highly dissimilar properties. This amino acid position is conserved. In addition, this alteration is predicted to be deleterious by in silico analysis. Based on the available evidence, the clinical significance of this variant remains unclear.

NM_017849.4(TMEM127):c.299G>A (p.Cys100Tyr)

Gene: TMEM127 (transmembrane protein 127; minus strand). Cytogenetic location: 2q11.2.
Variant type: single nucleotide variant.
Coding change: c.299G>A on transcript NM_017849.4 (MANE Select); coding-DNA position 299, G replaced by A.
Protein change: p.Cys100Tyr; replaces cysteine 100 with tyrosine.
Molecular consequence: missense variant.
Genome position (GRCh38, 1-based): chr2:96,254,943, C>T on the plus strand (G>A on the coding strand, the complement: TMEM127 is on the minus strand). VCF-style: chr2-96254943-C-T. GRCh37 (hg19) VCF-style: chr2-96920681-C-T.
Other names: c.299G>A, p.Cys100Tyr (NM_001193304.3); c.47G>A, p.Cys16Tyr (NM_001407282.1, NM_001407283.1); short protein forms C100Y, C16Y.
Identifiers: ClinVar variation 5030917 (VCV005030917.1).